The following is an entry in ClinVar:

NM_004859.4(CLTC):c.4154C>G (p.Ala1385Gly)

Genes: CLTC (clathrin heavy chain; plus strand), LOC126862609 (CDK7 strongly-dependent group 2 enhancer GRCh37_chr17:57760547-57761746; plus strand). Cytogenetic location: 17q23.1.
Variant type: single nucleotide variant.
Coding change: c.4154C>G on transcript NM_004859.4 (MANE Select); coding-DNA position 4154, C replaced by G.
Protein change: p.Ala1385Gly; replaces alanine 1385 with glycine.
Molecular consequence: missense variant.
Genome position (GRCh38, 1-based): chr17:59,683,499, C>G. VCF-style: chr17-59683499-C-G. GRCh37 (hg19) VCF-style: chr17-57760860-C-G.
Other names: c.4166C>G, p.Ala1389Gly (NM_001288653.2); short protein forms A1389G, A1385G.
Identifiers: ClinVar variation 2007489 (VCV002007489.4), dbSNP rs2509154758, ClinGen allele CA400420720.
Genomic context (GRCh38, chr17:59,683,499, plus strand): 5'-ATGACAAGTATGAAGAATATGATAATGCCATAATTACCATGATGAATCATCCAACTGATG[C>G]CTGGAAAGAAGGGCAATTCAAAGATATCATTACCAAGGTGTGTACTTTCTTCAGAAGATA-3'
Protein context (NP_004850.1, residues 1375-1395): IITMMNHPTD[Ala1385Gly]WKEGQFKDII

ClinVar aggregate classification (germline): Uncertain significance (1 of 4 stars; one submission).

Submission:

Labcorp Genetics (formerly Invitae), Labcorp
Classification: Uncertain significance. Last evaluated: 2023-08-04. Review status: criteria provided, single submitter. Criteria: Invitae Variant Classification Sherloc (09022015). Collection method: clinical testing. Allele origin: germline.
Comment: This sequence change replaces alanine, which is neutral and non-polar, with glycine, which is neutral and non-polar, at codon 1389 of the CLTC protein (p.Ala1389Gly). This variant is not present in population databases (gnomAD no frequency). ClinVar contains an entry for this variant (Variation ID: 2007489). This variant has not been reported in the literature in individuals affected with CLTC-related conditions. Advanced modeling of protein sequence and biophysical properties (such as structural, functional, and spatial information, amino acid conservation, physicochemical variation, residue mobility, and thermodynamic stability) performed at Invitae indicates that this missense variant is not expected to disrupt CLTC protein function. In summary, the available evidence is currently insufficient to determine the role of this variant in disease. Therefore, it has been classified as a Variant of Uncertain Significance.